The following is an entry in ClinVar:

ClinVar aggregate classification (germline): Uncertain significance (1 of 4 stars; one submission).

Conditions:
Hereditary cancer-predisposing syndrome. Also called: Tumor predisposition; Neoplastic Syndromes, Hereditary; Hereditary neoplastic syndrome; Hereditary Cancer Syndrome. Identifiers: Orphanet 140162, MedGen C0027672, MeSH D009386, MONDO:0015356.

Submission:

Ambry Genetics
Classification: Uncertain significance for Hereditary cancer-predisposing syndrome. Last evaluated: 2025-08-27. Review status: criteria provided, single submitter. Criteria: Ambry Variant Classification Scheme 2023. Collection method: clinical testing. Allele origin: germline.
Comment: The p.A489G variant (also known as c.1466C>G), located in coding exon 14 of the MUTYH gene, results from a C to G substitution at nucleotide position 1466. The alanine at codon 489 is replaced by glycine, an amino acid with similar properties. This amino acid position is conserved. In addition, this alteration is predicted to be deleterious by in silico analysis. Based on the available evidence, the clinical significance of this variant remains unclear.

NM_001048174.2(MUTYH):c.1382C>G (p.Ala461Gly)

Gene: MUTYH (mutY DNA glycosylase; minus strand). Cytogenetic location: 1p34.1.
Variant type: single nucleotide variant.
Coding change: c.1382C>G on transcript NM_001048174.2 (MANE Select); coding-DNA position 1382, C replaced by G.
Protein change: p.Ala461Gly; replaces alanine 461 with glycine.
Molecular consequence: missense variant. On other transcripts: non-coding transcript variant (7).
Genome position (GRCh38, 1-based): chr1:45,331,192, G>C on the plus strand (C>G on the coding strand, the complement: MUTYH is on the minus strand). VCF-style: chr1-45331192-G-C. GRCh37 (hg19) VCF-style: chr1-45796864-G-C.
Other names: c.1340C>G, p.Ala447Gly (NM_001407080.1); c.1382C>G, p.Ala461Gly (NM_001407081.1, NM_001407070.1, NM_001407072.1 and 6 more transcripts); c.1037C>G, p.Ala346Gly (NM_001407082.1, NM_001350651.2, NM_001350650.2); c.1343C>G, p.Ala448Gly (NM_001407079.1); c.1424C>G, p.Ala475Gly (NM_001407083.1, NM_001407085.1); c.1415C>G, p.Ala472Gly (NM_001407069.1, NM_001407077.1, NM_001293191.2); c.1385C>G, p.Ala462Gly (NM_001407071.1, NM_001407078.1, NM_001048172.2 and 1 more transcripts); c.1298C>G, p.Ala433Gly (NM_001407075.1); and 5 more; short protein forms A489G, A468G, A486G, A346G, A369G, A448G, A462G, A472G.
Identifiers: ClinVar variation 4113268 (VCV004113268.1).
Genomic context (GRCh38, chr1:45,331,192, plus strand): 5'-GAACATGTAGGAAACACAAGGAAGTACAACAAAGACAACAAAGGTAGTGCCTTTTTCATG[G>C]CGGTGGAAACAGCTGCGGTGTGAAATTCCTCCTGCGTCAGCCAGCGAGCACCTGGTGGTA-3'
Protein context (NP_001041639.1, residues 451-471): EEFHTAAVST[Ala461Gly]MKKVFRVYQG